The following is an entry in ClinVar:

ClinVar aggregate classification (germline): Uncertain significance (1 of 4 stars; one submission).

Submission:

Labcorp Genetics (formerly Invitae), Labcorp
Classification: Uncertain significance. Last evaluated: 2022-02-04. Review status: criteria provided, single submitter. Criteria: Invitae Variant Classification Sherloc (09022015). Collection method: clinical testing. Allele origin: germline.
Comment: In summary, the available evidence is currently insufficient to determine the role of this variant in disease. Therefore, it has been classified as a Variant of Uncertain Significance. Algorithms developed to predict the effect of missense changes on protein structure and function (SIFT, PolyPhen-2, Align-GVGD) all suggest that this variant is likely to be tolerated. ClinVar contains an entry for this variant (Variation ID: 659204). This variant has not been reported in the literature in individuals affected with LRRC10-related conditions. This variant is not present in population databases (gnomAD no frequency). This sequence change replaces histidine, which is basic and polar, with glutamine, which is neutral and polar, at codon 188 of the LRRC10 protein (p.His188Gln).

NM_201550.4(LRRC10):c.564C>A (p.His188Gln)

Gene: LRRC10 (leucine rich repeat containing 10; minus strand). Cytogenetic location: 12q15.
Variant type: single nucleotide variant.
Coding change: c.564C>A on transcript NM_201550.4 (MANE Select); coding-DNA position 564, C replaced by A.
Protein change: p.His188Gln; replaces histidine 188 with glutamine.
Molecular consequence: missense variant.
Genome position (GRCh38, 1-based): chr12:69,610,275, G>T on the plus strand (C>A on the coding strand, the complement: LRRC10 is on the minus strand). VCF-style: chr12-69610275-G-T. GRCh37 (hg19) VCF-style: chr12-70004055-G-T.
Other names: short protein forms H188Q.
Identifiers: ClinVar variation 659204 (VCV000659204.8), dbSNP rs1593107542, ClinGen allele CA385736099.